The following is an entry in ClinVar:

NM_024747.6(HPS6):c.1417G>A (p.Val473Met)

Gene: HPS6 (HPS6 biogenesis of lysosomal organelles complex 2 subunit 3; plus strand). Cytogenetic location: 10q24.32.
Variant type: single nucleotide variant.
Coding change: c.1417G>A on transcript NM_024747.6 (MANE Select); coding-DNA position 1417, G replaced by A.
Protein change: p.Val473Met; replaces valine 473 with methionine.
Molecular consequence: missense variant.
Genome position (GRCh38, 1-based): chr10:102,066,891, G>A. VCF-style: chr10-102066891-G-A. GRCh37 (hg19) VCF-style: chr10-103826648-G-A.
Other names: c.1417G>A (NM_024747.5); short protein forms V473M.
Identifiers: ClinVar variation 1438468 (VCV001438468.6), dbSNP rs542540023, ClinGen allele CA212201295.

ClinVar aggregate classification (germline): Uncertain significance. Review status: criteria provided, multiple submitters, no conflicts (2 of 4 stars). 4 submissions from 4 submitters: Uncertain significance (3). 1 of the submissions does not count toward it. Last evaluated 2025-10-23.

Conditions:
HPS6-related disorder. Also called: HPS6-related condition.
Hermansky-Pudlak syndrome 6 (HPS6). Identifiers: Orphanet 231512, Orphanet 79430, MedGen C3888007, MONDO:0013558, OMIM 614075.
Inborn genetic diseases. Identifiers: MedGen C0950123, MeSH D030342.

Allele frequency attached by ClinVar (database versions not stated): gnomAD 0.00002; gnomAD exomes 0.00002 and 0.00003; TOPMed 0.00003.
gnomAD v4.1: 46 of 1,614,104 alleles (0.0028%); highest among the groups gnomAD compares: Non-Finnish European, 0.0038%; no homozygotes.

Submissions (4):

Ambry Genetics
Classification: Uncertain significance for Inborn genetic diseases. Last evaluated: 2025-10-23. Review status: criteria provided, single submitter. Criteria: Ambry Variant Classification Scheme 2023. Collection method: clinical testing. Allele origin: germline.

Fulgent Genetics
Classification: Uncertain significance for Hermansky-Pudlak syndrome 6. Last evaluated: 2022-03-02. Review status: criteria provided, single submitter. Criteria: ACMG Guidelines, 2015. Collection method: clinical testing. Allele origin: unknown.

Labcorp Genetics (formerly Invitae), Labcorp
Classification: Uncertain significance. Last evaluated: 2021-12-28. Review status: criteria provided, single submitter. Criteria: Invitae Variant Classification Sherloc (09022015). Collection method: clinical testing. Allele origin: germline.
Comment: This sequence change replaces valine, which is neutral and non-polar, with methionine, which is neutral and non-polar, at codon 473 of the HPS6 protein (p.Val473Met). This variant is present in population databases (rs542540023, gnomAD 0.004%). This variant has not been reported in the literature in individuals affected with HPS6-related conditions. Algorithms developed to predict the effect of missense changes on protein structure and function are either unavailable or do not agree on the potential impact of this missense change (SIFT: "Deleterious"; PolyPhen-2: "Benign"; Align-GVGD: "Class C0"). In summary, the available evidence is currently insufficient to determine the role of this variant in disease. Therefore, it has been classified as a Variant of Uncertain Significance.

PreventionGenetics, part of Exact Sciences
Classification: Uncertain significance for HPS6-related condition. Last evaluated: 2024-08-26. Review status: no assertion criteria provided. Collection method: clinical testing. Allele origin: germline. Not counted in ClinVar's aggregate classification.
Comment: The HPS6 c.1417G>A variant is predicted to result in the amino acid substitution p.Val473Met. To our knowledge, this variant has not been reported in the literature. This variant is reported in 0.0044% of alleles in individuals of European (Non-Finnish) descent in gnomAD. At this time, the clinical significance of this variant is uncertain due to the absence of conclusive functional and genetic evidence.